The following is an entry in ClinVar:

NM_182961.4(SYNE1):c.9220A>G (p.Arg3074Gly)

Gene: SYNE1 (spectrin repeat containing nuclear envelope protein 1; minus strand). Cytogenetic location: 6q25.2.
Variant type: single nucleotide variant.
Coding change: c.9220A>G on transcript NM_182961.4 (MANE Select); coding-DNA position 9220, A replaced by G.
Protein change: p.Arg3074Gly; replaces arginine 3074 with glycine.
Molecular consequence: missense variant.
Genome position (GRCh38, 1-based): chr6:152,376,485, T>C on the plus strand (A>G on the coding strand, the complement: SYNE1 is on the minus strand). VCF-style: chr6-152376485-T-C. GRCh37 (hg19) VCF-style: chr6-152697620-T-C.
Other names: c.9241A>G, p.Arg3081Gly (NM_033071.5); short protein forms R3081G, R3074G.
Identifiers: ClinVar variation 1033005 (VCV001033005.1), dbSNP rs2097283597, ClinGen allele CA366141093.

ClinVar aggregate classification (germline): Uncertain significance (1 of 4 stars; one submission).

Conditions:
Emery-Dreifuss muscular dystrophy 4, autosomal dominant (EDMD4). Also called: EMERY-DREIFUSS MUSCULAR DYSTROPHY 4 WITH VARIABLE FEATURES. Identifiers: Orphanet 261, MedGen C2751807, MONDO:0013071, OMIM 612998.

Submission:

Baylor Genetics
Classification: Uncertain significance for Emery-Dreifuss muscular dystrophy 4, autosomal dominant. Last evaluated: 2018-04-19. Review status: criteria provided, single submitter. Criteria: ACMG Guidelines, 2015. Collection method: clinical testing. Allele origin: maternal. Affected: yes.
Comment: This variant was determined to be of uncertain significance according to ACMG Guidelines, 2015 [PMID:25741868].